The following is an entry in ClinVar:

NM_015443.4(KANSL1):c.401C>A (p.Ser134Tyr)

Gene: KANSL1 (KAT8 regulatory NSL complex subunit 1). Cytogenetic location: 17q21.31.
Variant type: single nucleotide variant.
Coding change: c.401C>A on transcript NM_015443.4 (MANE Select); coding-DNA position 401, C replaced by A.
Protein change: p.Ser134Tyr; replaces serine 134 with tyrosine.
Molecular consequence: missense variant. On other transcripts: intron variant (4).
Genome position (GRCh38, 1-based): chr17:46,171,743, G>T on the plus strand (C>A on the coding strand, the complement: KANSL1 is on the minus strand). VCF-style: chr17-46171743-G-T. GRCh37 (hg19) VCF-style: chr17-44249109-G-T.
Other names: c.401C>A, p.Ser134Tyr (NM_001193465.2, NM_001193466.2, NM_001379198.1 and 18 more transcripts); c.23+51928C>A (NM_001405885.1, NM_001405884.1, NM_001405883.1 and 1 more transcripts); short protein forms S134Y.
Identifiers: ClinVar variation 4076755 (VCV004076755.1).

ClinVar aggregate classification (germline): Uncertain significance (1 of 4 stars; one submission).

Submission:

GeneDx
Classification: Uncertain significance. Last evaluated: 2025-02-20. Review status: criteria provided, single submitter. Criteria: GeneDx Variant Classification Process June 2021. Collection method: clinical testing. Allele origin: germline. Affected: yes.
Comment: Not observed at significant frequency in large population cohorts (gnomAD); In silico analysis supports that this missense variant has a deleterious effect on protein structure/function; Missense variant in a gene in which most reported pathogenic variants are truncating/loss of function; Has not been previously published as pathogenic or benign to our knowledge